The following is an entry in ClinVar:

NM_001710.6(CFB):c.1298T>C (p.Leu433Ser)

Gene: CFB (complement factor B; plus strand). Cytogenetic location: 6p21.33.
Variant type: single nucleotide variant.
Coding change: c.1298T>C on transcript NM_001710.6 (MANE Select); coding-DNA position 1298, T replaced by C.
Protein change: p.Leu433Ser; replaces leucine 433 with serine.
Molecular consequence: missense variant.
Genome position (GRCh38, 1-based): chr6:31,949,447, T>C. VCF-style: chr6-31949447-T-C. GRCh37 (hg19) VCF-style: chr6-31917224-T-C.
Other names: short protein forms L433S.
Identifiers: ClinVar variation 4280411 (VCV004280411.2).

ClinVar aggregate classification (germline): Likely pathogenic (1 of 4 stars; one submission).

Conditions:
Atypical hemolytic-uremic syndrome. Identifiers: Orphanet 2134, MedGen C2931788, MONDO:0016244.

Submission:

Genomenon, Inc
Classification: Likely pathogenic for Atypical hemolytic-uremic syndrome. Last evaluated: 2026-09-17. Review status: criteria provided, single submitter. Criteria: Genomenon Sequence Variant Interpretation Standards - Updated. Collection method: curation. Allele origin: germline. Affected: yes.
Comment: CFB p.Leu433Ser (c.1298T>C) is a missense variant that changes the amino acid at codon 433 from Leucine to Serine. This variant has been observed in at least one proband affected with atypical hemolytic-uremic syndrome (PMID:24009284;25037630). Functional studies have been reported (PMID:24009284). This variant is located in a mutational hotspot and/or important functional domain. It is absent or not present at a significant frequency in gnomAD. In conclusion, we classify CFB p.Leu433Ser (c.1298T>C) as a likely pathogenic variant.

Literature cited by the submitters: PubMed 24009284; PubMed 25037630.